The following is an entry in ClinVar:

NM_006015.6(ARID1A):c.1562A>G (p.Gln521Arg)

Gene: ARID1A (AT-rich interaction domain 1A; plus strand). Cytogenetic location: 1p36.11.
Variant type: single nucleotide variant.
Coding change: c.1562A>G on transcript NM_006015.6 (MANE Select); coding-DNA position 1562, A replaced by G.
Protein change: p.Gln521Arg; replaces glutamine 521 with arginine.
Molecular consequence: missense variant.
Genome position (GRCh38, 1-based): chr1:26,731,363, A>G. VCF-style: chr1-26731363-A-G. GRCh37 (hg19) VCF-style: chr1-27057854-A-G.
Other names: c.1562A>G, p.Gln521Arg (NM_139135.4); short protein forms Q521R.
Identifiers: ClinVar variation 2175646 (VCV002175646.4), dbSNP rs2124788956, ClinGen allele CA339268347.

ClinVar aggregate classification (germline): Uncertain significance (1 of 4 stars; one submission).

Allele frequency attached by ClinVar (database versions not stated): gnomAD exomes below 0.00001.
gnomAD v4.1: 1 of 1,613,834 alleles (0.000062%); highest among the groups gnomAD compares: Non-Finnish European, 0.000085%; no homozygotes.

Submission:

Labcorp Genetics (formerly Invitae), Labcorp
Classification: Uncertain significance. Last evaluated: 2024-06-03. Review status: criteria provided, single submitter. Criteria: Invitae Variant Classification Sherloc (09022015). Collection method: clinical testing. Allele origin: germline.
Comment: This sequence change replaces glutamine, which is neutral and polar, with arginine, which is basic and polar, at codon 521 of the ARID1A protein (p.Gln521Arg). This variant is not present in population databases (gnomAD no frequency). This variant has not been reported in the literature in individuals affected with ARID1A-related conditions. ClinVar contains an entry for this variant (Variation ID: 2175646). Advanced modeling of protein sequence and biophysical properties (such as structural, functional, and spatial information, amino acid conservation, physicochemical variation, residue mobility, and thermodynamic stability) performed at Invitae indicates that this missense variant is not expected to disrupt ARID1A protein function with a negative predictive value of 95%. In summary, the available evidence is currently insufficient to determine the role of this variant in disease. Therefore, it has been classified as a Variant of Uncertain Significance.